The following is an entry in ClinVar:

GRCh38/hg38 9q21.33-22.2(chr9:87418580-90406012)x1

Genes: C9orf47 (chromosome 9 open reading frame 47; plus strand), CDK20 (cyclin dependent kinase 20; minus strand), CDK20-AS1 (CDK20 antisense RNA 1; plus strand), CKS2 (CDC28 protein kinase regulatory subunit 2; plus strand), CTSL (cathepsin L; plus strand) and 129 more. Cytogenetic location: 9q21.33-22.2.
Variant type: copy number loss.
Change: copy number 1 (one copy instead of two) of chr9:87,418,580-90,406,012 (2.99 Mb, GRCh38 coordinates, 1-based), cytogenetic band 9q21.33-22.2.
Identifiers: ClinVar variation 57292 (VCV000057292.1).

ClinVar aggregate classification (germline): Pathogenic (1 of 4 stars; one submission).

Submission:

ISCA site 4
Classification: Pathogenic. Last evaluated: 2011-08-12. Review status: criteria provided, single submitter. Criteria: Kaminsky et al. (Genet Med. 2011). Collection method: clinical testing. Allele origin: unknown. Affected: yes. Observed: 1 variant allele.
Comment: Copy number variation identified through the course of routine clinical cytogenomic testing in postnatal populations. Clinical assertions have been curated as described in Kaminsky et al. 2011.